The following is an entry in ClinVar:

NM_001079872.2(CUL4B):c.314A>T (p.Asp105Val)

Genes: CUL4B (cullin 4B; minus strand), LOC113845788 (Sharpr-MPRA regulatory region 11856; plus strand). Cytogenetic location: Xq24.
Variant type: single nucleotide variant.
Coding change: c.314A>T on transcript NM_001079872.2 (MANE Select); coding-DNA position 314, A replaced by T.
Protein change: p.Asp105Val; replaces aspartic acid 105 with valine.
Molecular consequence: missense variant.
Genome position (GRCh38, 1-based): chrX:120,560,325, T>A on the plus strand (A>T on the coding strand, the complement: CUL4B is on the minus strand). VCF-style: chrX-120560325-T-A. GRCh37 (hg19) VCF-style: chrX-119694180-T-A.
Other names: c.329A>T, p.Asp110Val (NM_001330624.2); c.368A>T, p.Asp123Val (NM_003588.4); short protein forms D105V, D110V, D123V.
Identifiers: ClinVar variation 2662039 (VCV002662039.1), dbSNP rs2521198992, ClinGen allele CA414205499.

ClinVar aggregate classification (germline): Uncertain significance (1 of 4 stars; one submission).

Submission:

GeneDx
Classification: Uncertain significance. Last evaluated: 2023-04-14. Review status: criteria provided, single submitter. Criteria: GeneDx Variant Classification Process June 2021. Collection method: clinical testing. Allele origin: germline. Affected: yes.
Comment: Not observed at significant frequency in large population cohorts (gnomAD); In silico analysis supports that this missense variant does not alter protein structure/function; Has not been previously published as pathogenic or benign to our knowledge.